The following is an entry in ClinVar:

ClinVar aggregate classification (germline): Conflicting classifications of pathogenicity. Review status: criteria provided, conflicting classifications (1 of 4 stars). 2 submissions from 2 submitters: Pathogenic (1); Uncertain significance (1). Last evaluated 2025-09-10.

Conditions:
Mitochondrial complex 5 (ATP synthase) deficiency, nuclear type 6. Also called: MITOCHONDRIAL COMPLEX V (ATP SYNTHASE) DEFICIENCY, NUCLEAR TYPE 6. Identifiers: MedGen C5231461, MONDO:0032869, OMIM 618683.

Submissions (2):

Genomic Medicine Center of Excellence, King Faisal Specialist Hospital and Research Centre
Classification: Uncertain significance for Mitochondrial complex 5 (ATP synthase) deficiency, nuclear type 6. Last evaluated: 2025-09-10. Review status: criteria provided, single submitter. Criteria: ACMG Guidelines, 2015. Collection method: clinical testing. Allele origin: germline.

3billion
Classification: Pathogenic for Mitochondrial complex 5 (ATP synthase) deficiency, nuclear type 6. Last evaluated: 2025-03-28. Review status: criteria provided, single submitter. Criteria: ACMG Guidelines, 2015. Collection method: clinical testing. Allele origin: germline. Affected: yes.
Comment: The variant is not observed in the gnomAD v4.1.0 dataset. Predicted Consequence/Location: Canonical splice site: predicted to alter splicing and result in a loss or disruption of normal protein function. Multiple pathogenic loss-of-function variants are reported downstream of the variant. The variant was homozygous. Therefore, this variant is classified as Pathogenic according to the recommendation of ACMG/AMP guideline.

NM_001206427.2(ATP5MK):c.-9-1G>T

Gene: ATP5MK (ATP synthase membrane subunit k; minus strand). Cytogenetic location: 10q24.33.
Variant type: single nucleotide variant.
Coding change: c.-9-1G>T on transcript NM_001206427.2 (MANE Select); the canonical splice acceptor site of the intron before 9 bases upstream of the start codon, G replaced by T.
Molecular consequence: splice acceptor variant.
Genome position (GRCh38, 1-based): chr10:103,392,467, C>A on the plus strand (G>T on the coding strand, the complement: ATP5MK is on the minus strand). VCF-style: chr10-103392467-C-A. GRCh37 (hg19) VCF-style: chr10-105152224-C-A.
Other names: c.-9-1G>T (NM_001206426.2, NM_032747.4).
Identifiers: ClinVar variation 4277760 (VCV004277760.2).
Genomic context (GRCh38, chr10:103,392,467, plus strand): 5'-TTTTTTAATACCAGTGAACTGGTATTGCGCATCACTTTCTGGACCTGCCATGATTTCAAT[C>A]TTTTAAAAAAAGAAAGAAAGCAACATTAAATTGGTTTGGATGTAATTTAAAAGTAAATAA-3'